The following is an entry in ClinVar:

NM_000138.5(FBN1):c.3338A>G (p.Asp1113Gly)

Gene: FBN1 (fibrillin 1; minus strand). Cytogenetic location: 15q21.1.
Variant type: single nucleotide variant.
Coding change: c.3338A>G on transcript NM_000138.5 (MANE Select); coding-DNA position 3338, A replaced by G.
Protein change: p.Asp1113Gly; replaces aspartic acid 1113 with glycine.
Molecular consequence: missense variant.
Genome position (GRCh38, 1-based): chr15:48,487,437, T>C on the plus strand (A>G on the coding strand, the complement: FBN1 is on the minus strand). VCF-style: chr15-48487437-T-C. GRCh37 (hg19) VCF-style: chr15-48779634-T-C.
Other names: short protein forms D1113G.
Identifiers: ClinVar variation 549158 (VCV000549158.28), dbSNP rs140597, ClinGen allele CA269531278.

ClinVar aggregate classification (germline): Pathogenic/Likely pathogenic. Review status: criteria provided, multiple submitters, no conflicts (2 of 4 stars). 4 submissions from 4 submitters: Pathogenic (1); Likely pathogenic (2). 1 of the submissions does not count toward it. Last evaluated 2025-02-04.

Conditions:
Familial thoracic aortic aneurysm and aortic dissection (TAAD). Also called: Thoracic aortic aneurysms and dissections. Identifiers: Orphanet 91387, MedGen C4707243, MONDO:0019625.
Marfan syndrome (MFS). Also called: Marfan syndrome type 1; Marfan syndrome, classic; Marfan's syndrome; FBN1-Related Marfan Syndrome; MARFAN SYNDROME, TYPE I. Identifiers: Orphanet 284963, Orphanet 558, MedGen C0024796, MONDO:0007947, OMIM 154700.

Submissions (4):

Labcorp Genetics (formerly Invitae), Labcorp
Classification: Pathogenic for Marfan syndrome; Familial thoracic aortic aneurysm and aortic dissection. Last evaluated: 2025-02-04. Review status: criteria provided, single submitter. Criteria: Invitae Variant Classification Sherloc (09022015). Collection method: clinical testing. Allele origin: germline.
Comment: This sequence change replaces aspartic acid, which is acidic and polar, with glycine, which is neutral and non-polar, at codon 1113 of the FBN1 protein (p.Asp1113Gly). This variant is not present in population databases (gnomAD no frequency). This missense change has been observed in individuals with clinical features of Marfan syndrome and Marfan syndrome (PMID: 10464652, 17663468, 28941062; internal data). It has also been observed to segregate with disease in related individuals. ClinVar contains an entry for this variant (Variation ID: 549158). An algorithm developed to predict the effect of missense changes on protein structure and function (PolyPhen-2) suggests that this variant is likely to be disruptive. Experimental studies have shown that this missense change affects FBN1 function (PMID: 17324963). For these reasons, this variant has been classified as Pathogenic.

GeneDx
Classification: Likely pathogenic. Last evaluated: 2022-08-23. Review status: criteria provided, single submitter. Criteria: GeneDx Variant Classification Process June 2021. Collection method: clinical testing. Allele origin: germline. Affected: yes.
Comment: Not observed at significant frequency in large population cohorts (gnomAD); Published in vitro functional studies show processing and secretion from fibroblasts as well as incorporation into micofibrils similar to wild type protein (Jensen et al., 2021); In silico analysis supports that this missense variant has a deleterious effect on protein structure/function; This variant is associated with the following publications: (PMID: 11875032, 10464652, 17663468, 17253931, 28941062, 31825148, 20591885, 18852891, 18974781, 26659599, 24941995, 20886638, 33735269)

Centre of Medical Genetics, University of Antwerp
Classification: Likely pathogenic for Marfan syndrome. Last evaluated: 2021-03-01. Review status: criteria provided, single submitter. Criteria: Submitter's publication. Collection method: research. Allele origin: unknown. Affected: yes.
Comment: PM2, PS6, PP4

Center for Medical Genetics Ghent, University of Ghent
Classification: Likely pathogenic for Marfan syndrome. Last evaluated: 2017-11-07. Review status: no assertion criteria provided. Collection method: clinical testing. Allele origin: germline. Affected: yes. Not counted in ClinVar's aggregate classification.

Literature cited by the submitters: PubMed 10464652 (cited by Labcorp Genetics (formerly Invitae), Labcorp); PubMed 17663468 (cited by Labcorp Genetics (formerly Invitae), Labcorp); PubMed 28941062 (cited by Labcorp Genetics (formerly Invitae), Labcorp); PubMed 17324963 (cited by Labcorp Genetics (formerly Invitae), Labcorp).